The following is an entry in ClinVar:

NM_007327.4(GRIN1):c.2015T>C (p.Leu672Pro)

Gene: GRIN1 (glutamate ionotropic receptor NMDA type subunit 1; plus strand). Cytogenetic location: 9q34.3.
Variant type: single nucleotide variant.
Coding change: c.2015T>C on transcript NM_007327.4 (MANE Select); coding-DNA position 2015, T replaced by C.
Protein change: p.Leu672Pro; replaces leucine 672 with proline.
Molecular consequence: missense variant.
Genome position (GRCh38, 1-based): chr9:137,162,847, T>C. VCF-style: chr9-137162847-T-C. GRCh37 (hg19) VCF-style: chr9-140057299-T-C.
Other names: c.2015T>C, p.Leu672Pro (NM_000832.7, NM_021569.4); c.2078T>C, p.Leu693Pro (NM_001185090.2, NM_001185091.2); short protein forms L672P, L693P.
Identifiers: ClinVar variation 3024529 (VCV003024529.2), dbSNP rs2538642555, ClinGen allele CA375721669.

ClinVar aggregate classification (germline): Uncertain significance (1 of 4 stars; one submission).

Conditions:
Neurodevelopmental disorder with or without hyperkinetic movements and seizures, autosomal dominant. Also called: Intellectual disability, autosomal dominant 8. Identifiers: MedGen C3280282, MONDO:0013655, OMIM 614254.

Submission:

Institute of Human Genetics, University of Leipzig Medical Center
Classification: Uncertain significance for Neurodevelopmental disorder with or without hyperkinetic movements and seizures, autosomal dominant. Last evaluated: 2024-02-22. Review status: criteria provided, single submitter. Criteria: ACMG Guidelines, 2015. Collection method: clinical testing. Allele origin: unknown. Inheritance: Autosomal dominant inheritance. Affected: yes.
Comment: Criteria applied: PM2_SUP,PP2,PP3